The following is an entry in ClinVar:

NM_020631.6(PLEKHG5):c.302+1G>T

Gene: PLEKHG5 (pleckstrin homology and RhoGEF domain containing G5; minus strand). Cytogenetic location: 1p36.31.
Variant type: single nucleotide variant.
Coding change: c.302+1G>T on transcript NM_020631.6 (MANE Select); the canonical splice donor site of the intron after coding-DNA position 302, G replaced by T.
Molecular consequence: splice donor variant.
Genome position (GRCh38, 1-based): chr1:6,475,046, C>A on the plus strand (G>T on the coding strand, the complement: PLEKHG5 is on the minus strand). VCF-style: chr1-6475046-C-A. GRCh37 (hg19) VCF-style: chr1-6535106-C-A.
Other names: c.302+1G>T (NM_198681.4, NM_001265594.3, NM_001042664.2 and 1 more transcripts); c.413+1G>T (NM_001042663.3, NM_001265592.2); c.509+1G>T (NM_001265593.2).
Identifiers: ClinVar variation 4792426 (VCV004792426.1).
Genomic context (GRCh38, chr1:6,475,046, plus strand): 5'-GCAACATGGGGCCACCCCTACTCCCAGTCCCACTTCCACCCTGAGCCCCATCAAGCCCTA[C>A]CCCAGTGACTTCTTCTTCATGGCTGGGACGATCTCTGTCTCAATGTCCACATTCAGGTCA-3'

ClinVar aggregate classification (germline): Likely pathogenic (1 of 4 stars; one submission).

Conditions:
Neuronopathy, distal hereditary motor, autosomal recessive 4. Also called: Autosomal recessive lower motor neuron disease with childhood onset; NEUROPATHY, DISTAL HEREDITARY MOTOR, AUTOSOMAL RECESSIVE 4. Identifiers: Orphanet 206580, MedGen C1970211, MONDO:0012608, OMIM 611067.
Charcot-Marie-Tooth disease recessive intermediate C. Also called: CHARCOT-MARIE-TOOTH NEUROPATHY, RECESSIVE INTERMEDIATE C. Identifiers: Orphanet 369867, MedGen C3809309, MONDO:0014154, OMIM 615376.

Submission:

Labcorp Genetics (formerly Invitae), Labcorp
Classification: Likely pathogenic for Neuronopathy, distal hereditary motor, autosomal recessive 4; Charcot-Marie-Tooth disease recessive intermediate C. Last evaluated: 2025-07-30. Review status: criteria provided, single submitter. Criteria: Invitae Variant Classification Sherloc (09022015). Collection method: clinical testing. Allele origin: germline.
Comment: This sequence change affects a donor splice site in intron 5 of the PLEKHG5 gene. It is expected to disrupt RNA splicing. Variants that disrupt the donor or acceptor splice site typically lead to a loss of protein function (PMID: 16199547), and loss-of-function variants in PLEKHG5 are known to be pathogenic (PMID: 17564964, 23777631). This variant is not present in population databases (gnomAD no frequency). This variant has not been reported in the literature in individuals affected with PLEKHG5-related conditions. Algorithms developed to predict the effect of sequence changes on RNA splicing suggest that this variant may disrupt the consensus splice site. In summary, the currently available evidence indicates that the variant is pathogenic, but additional data are needed to prove that conclusively. Therefore, this variant has been classified as Likely Pathogenic.

Literature cited by the submitters: PubMed 16199547; PubMed 17564964; PubMed 23777631.